The following is an entry in ClinVar:

ClinVar aggregate classification (germline): Benign/Likely benign. Review status: criteria provided, multiple submitters, no conflicts (2 of 4 stars). 4 submissions from 4 submitters: Benign (1); Likely benign (3). Last evaluated 2026-02-01.

Allele frequency attached by ClinVar (database versions not stated): gnomAD exomes 0.00010 and 0.00030; 1000 Genomes Project 30x 0.00016; 1000 Genomes Project 0.00020; ExAC 0.00032; gnomAD 0.00083 and 0.00093; TOPMed 0.00104; ESP Exome Variant Server 0.00161.
gnomAD v4.1: 273 of 1,614,020 alleles (0.017%); highest among the groups gnomAD compares: African/African-American, 0.27%; 1 homozygote.

Submissions (4):

CeGaT Center for Human Genetics Tuebingen
Classification: Likely benign. Last evaluated: 2026-02-01. Review status: criteria provided, single submitter. Criteria: CeGaT Center For Human Genetics Tuebingen Variant Classification Criteria Version 2. Collection method: clinical testing. Allele origin: germline. Affected: yes. Observed: 2 variant alleles.
Comment: POLR3B: BP4, BP7

Labcorp Genetics (formerly Invitae), Labcorp
Classification: Benign. Last evaluated: 2025-11-10. Review status: criteria provided, single submitter. Criteria: Invitae Variant Classification Sherloc (09022015). Collection method: clinical testing. Allele origin: germline.

Blueprint Genetics
Classification: Likely benign. Last evaluated: 2024-11-14. Review status: criteria provided, single submitter. Criteria: ACMG Guidelines, 2015. Collection method: clinical testing. Allele origin: germline.

GeneDx
Classification: Likely benign. Last evaluated: 2021-02-25. Review status: criteria provided, single submitter. Criteria: GeneDx Variant Classification Process June 2021. Collection method: clinical testing. Allele origin: germline. Affected: yes.

NM_018082.6(POLR3B):c.2865C>T (p.Asp955=)

Genes: POLR3B (RNA polymerase III subunit B; plus strand), RFX4-AS1 (RFX4 antisense RNA 1; minus strand). Cytogenetic location: 12q23.3.
Variant type: single nucleotide variant.
Coding change: c.2865C>T on transcript NM_018082.6 (MANE Select); coding-DNA position 2865, C replaced by T.
Protein change: p.Asp955=; no amino-acid change (aspartic acid 955 retained).
Molecular consequence: synonymous variant.
Genome position (GRCh38, 1-based): chr12:106,496,799, C>T. VCF-style: chr12-106496799-C-T. GRCh37 (hg19) VCF-style: chr12-106890577-C-T.
Other names: c.2691C>T, p.Asp897= (NM_001160708.2).
Identifiers: ClinVar variation 1201888 (VCV001201888.36), dbSNP rs143284189, ClinGen allele CA6762327.